The following is an entry in ClinVar:

NM_003919.3(SGCE):c.898_925del (p.Glu300fs)

Genes: CASD1 (CAS1 domain sialic acid O acetyltransferase 1; plus strand), SGCE (sarcoglycan epsilon; minus strand). Cytogenetic location: 7q21.3.
Variant type: Deletion.
Coding change: c.898_925del on transcript NM_003919.3 (MANE Select); coding-DNA positions 898 to 925, 28 bases deleted (GAATACAAACCCCCTTCTGATTCTTTGA).
Protein change: p.Glu300fs; shifts the reading frame from glutamic acid 300.
Molecular consequence: frameshift variant.
Genome position (GRCh38, 1-based): chr7:94,600,758-94,600,785, TCAAAGAATCAGAAGGGGGTTTGTATTC deleted on the plus strand (GAATACAAACCCCCTTCTGATTCTTTGA on the coding strand, the reverse complement: SGCE is on the minus strand); deleting any 28 consecutive bases within chr7:94,600,758-94,600,787 gives the same sequence; the c. name uses the placement nearest the transcript's 3' end. VCF-style (leftmost placement, unchanged base first): chr7-94600757-TTCAAAGAATCAGAAGGGGGTTTGTATTC-T. GRCh37 (hg19) VCF-style: chr7-94230069-TTCAAAGAATCAGAAGGGGGTTTGTATTC-T.
Other names: c.811_838del, p.Glu271fs (NM_001346719.2, NM_001362807.2); c.625_652del, p.Glu209fs (NM_001346720.2, NM_001362808.2); c.775_802del, p.Glu259fs (NM_001362809.2, NM_001301139.2); c.898_925del, p.Glu300fs (NM_001099400.2, NM_001099401.2, NM_001346717.2); c.1006_1033del, p.Glu336fs (NM_001346713.2, NM_001346715.2); short protein forms E300fs, E336fs, E271fs, E209fs, E259fs.
Identifiers: ClinVar variation 2076487 (VCV002076487.4), dbSNP rs2484944161, ClinGen allele CA2580077893.

ClinVar aggregate classification (germline): Pathogenic (1 of 4 stars; one submission).

Conditions:
Myoclonic dystonia 11 (DYT11). Also called: DYT-SGCE; Myoclonic dystonia; Dystonia 11; Dystonia, alcohol responsive; Hereditary essential myoclonus; SGCE Myoclonus-Dystonia. Identifiers: Orphanet 36899, MedGen C1834570, MONDO:0008044, OMIM 159900.

Submission:

Labcorp Genetics (formerly Invitae), Labcorp
Classification: Pathogenic for Myoclonic dystonia 11. Last evaluated: 2022-01-06. Review status: criteria provided, single submitter. Criteria: Invitae Variant Classification Sherloc (09022015). Collection method: clinical testing. Allele origin: germline.
Comment: For these reasons, this variant has been classified as Pathogenic. This variant has not been reported in the literature in individuals affected with SGCE-related conditions. This variant is not present in population databases (gnomAD no frequency). This sequence change creates a premature translational stop signal (p.Glu300Lysfs*10) in the SGCE gene. It is expected to result in an absent or disrupted protein product. Loss-of-function variants in SGCE are known to be pathogenic (PMID: 12821748, 15389977, 17853490, 24297365).

Literature cited by the submitters: PubMed 12821748; PubMed 15389977; PubMed 17853490; PubMed 24297365.